The following is an entry in ClinVar:

NM_001005242.3(PKP2):c.539A>G (p.His180Arg)

Gene: PKP2 (plakophilin 2; minus strand). Cytogenetic location: 12p11.21.
Variant type: single nucleotide variant.
Coding change: c.539A>G on transcript NM_001005242.3 (MANE Select); coding-DNA position 539, A replaced by G.
Protein change: p.His180Arg; replaces histidine 180 with arginine.
Molecular consequence: missense variant.
Genome position (GRCh38, 1-based): chr12:32,878,341, T>C on the plus strand (A>G on the coding strand, the complement: PKP2 is on the minus strand). VCF-style: chr12-32878341-T-C. GRCh37 (hg19) VCF-style: chr12-33031275-T-C.
Other names: c.539A>G, p.His180Arg (NM_001407155.1, NM_001407156.1, NM_001407157.1 and 2 more transcripts); c.212A>G, p.His71Arg (NM_001407158.1, NM_001407159.1, NM_001407160.1 and 1 more transcripts); short protein forms H180R, H71R.
Identifiers: ClinVar variation 1878980 (VCV001878980.3), dbSNP rs2541341475, ClinGen allele CA384364632.

ClinVar aggregate classification (germline): Uncertain significance. Review status: criteria provided, multiple submitters, no conflicts (2 of 4 stars). 3 submissions from 3 submitters: Uncertain significance (3). Last evaluated 2025-09-01.

Conditions:
Arrhythmogenic right ventricular dysplasia 9 (ARVD9). Also called: Arrhythmogenic Right Ventricular Dysplasia/Cardiomyopathy 9; ARRHYTHMOGENIC RIGHT VENTRICULAR DYSPLASIA, FAMILIAL, 9. Identifiers: MedGen C1836906, MONDO:0012180, OMIM 609040.
Cardiomyopathy (CMYO). Also called: Cardiomyopathies. Identifiers: Orphanet 167848, MedGen C0878544, MONDO:0004994, HP:0001638. Inheritance: Various modes of inheritance.

Allele frequency attached by ClinVar (database versions not stated): gnomAD exomes 0.00001.
gnomAD v4.1: 9 of 1,613,104 alleles (0.00056%); highest among the groups gnomAD compares: Non-Finnish European, 0.00076%; no homozygotes.

Submissions (3):

Labcorp Genetics (formerly Invitae), Labcorp
Classification: Uncertain significance for Arrhythmogenic right ventricular dysplasia 9. Last evaluated: 2025-09-01. Review status: criteria provided, single submitter. Criteria: Invitae Variant Classification Sherloc (09022015). Collection method: clinical testing. Allele origin: germline.
Comment: This sequence change replaces histidine, which is basic and polar, with arginine, which is basic and polar, at codon 180 of the PKP2 protein (p.His180Arg). This variant is not present in population databases (gnomAD no frequency). This variant has not been reported in the literature in individuals affected with PKP2-related conditions. ClinVar contains an entry for this variant (Variation ID: 1878980). An algorithm developed to predict the effect of missense changes on protein structure and function (PolyPhen-2) suggests that this variant is likely to be tolerated. In summary, the available evidence is currently insufficient to determine the role of this variant in disease. Therefore, it has been classified as a Variant of Uncertain Significance.

Color Diagnostics, LLC DBA Color Health
Classification: Uncertain significance for Cardiomyopathy. Last evaluated: 2025-06-23. Review status: criteria provided, single submitter. Criteria: ACMG Guidelines, 2015. Collection method: clinical testing. Allele origin: germline.
Comment: This missense variant replaces histidine with arginine at codon 180 of the PKP2 protein. Computational prediction suggests that this variant may not impact protein structure and function. To our knowledge, functional studies have not been reported for this variant. This variant has not been reported in individuals affected with PKP2-related disorders in the literature. This variant has not been identified in the general population by the Genome Aggregation Database (gnomAD). The available evidence is insufficient to determine the role of this variant in disease conclusively. Therefore, this variant is classified as a Variant of Uncertain Significance.

GeneDx
Classification: Uncertain significance. Last evaluated: 2022-07-12. Review status: criteria provided, single submitter. Criteria: GeneDx Variant Classification Process June 2021. Collection method: clinical testing. Allele origin: germline. Affected: yes.
Comment: Not observed at significant frequency in large population cohorts (gnomAD); In silico analysis supports that this missense variant does not alter protein structure/function; Has not been previously published as pathogenic or benign to our knowledge